The following is an entry in ClinVar:

NM_170606.3(KMT2C):c.2016A>T (p.Glu672Asp)

Gene: KMT2C (lysine methyltransferase 2C; minus strand). Cytogenetic location: 7q36.1.
Variant type: single nucleotide variant.
Coding change: c.2016A>T on transcript NM_170606.3 (MANE Select); coding-DNA position 2016, A replaced by T.
Protein change: p.Glu672Asp; replaces glutamic acid 672 with aspartic acid.
Molecular consequence: missense variant.
Genome position (GRCh38, 1-based): chr7:152,248,418, T>A on the plus strand (A>T on the coding strand, the complement: KMT2C is on the minus strand). VCF-style: chr7-152248418-T-A. GRCh37 (hg19) VCF-style: chr7-151945503-T-A.
Other names: short protein forms E672D.
Identifiers: ClinVar variation 218852 (VCV000218852.34), dbSNP rs114419085, ClinGen allele CA248970.

ClinVar aggregate classification (germline): Conflicting classifications of pathogenicity. Review status: criteria provided, conflicting classifications (1 of 4 stars). 4 submissions from 4 submitters: Uncertain significance (1); Benign (2); Likely benign (1). Last evaluated 2024-10-22.

Allele frequency attached by ClinVar (database versions not stated): 1000 Genomes Project 0.00359; 1000 Genomes Project 30x 0.00359; gnomAD exomes 0.00069; ExAC 0.00086; gnomAD 0.00224 and 0.00230; ESP Exome Variant Server 0.00261; TOPMed 0.00261.
gnomAD v4.1: 696 of 1,614,110 alleles (0.043%); highest among the groups gnomAD compares: African/African-American, 0.77%; 6 homozygotes.

Submissions (4):

Blueprint Genetics
Classification: Likely benign. Last evaluated: 2024-10-22. Review status: criteria provided, single submitter. Criteria: ACMG Guidelines, 2015. Collection method: clinical testing. Allele origin: germline.

Labcorp Genetics (formerly Invitae), Labcorp
Classification: Benign. Last evaluated: 2023-05-08. Review status: criteria provided, single submitter. Criteria: Invitae Variant Classification Sherloc (09022015). Collection method: clinical testing. Allele origin: germline.

CeGaT Center for Human Genetics Tuebingen
Classification: Benign. Last evaluated: 2022-08-01. Review status: criteria provided, single submitter. Criteria: CeGaT Center For Human Genetics Tuebingen Variant Classification Criteria Version 2. Collection method: clinical testing. Allele origin: germline. Affected: yes. Observed: 1 variant allele.
Comment: KMT2C: BS1, BS2

Genomic Diagnostic Laboratory, Division of Genomic Diagnostics, Children's Hospital of Philadelphia
Classification: Uncertain significance. Last evaluated: 2015-06-17. Review status: criteria provided, single submitter. Criteria: DGD Variant Analysis Guidelines. Collection method: clinical testing. Allele origin: unknown.